The following is an entry in ClinVar:

NM_001199753.2(CPT1C):c.1198C>T (p.Gln400Ter)

Gene: CPT1C (carnitine palmitoyltransferase 1C; plus strand). Cytogenetic location: 19q13.33.
Variant type: single nucleotide variant.
Coding change: c.1198C>T on transcript NM_001199753.2 (MANE Select); coding-DNA position 1198, C replaced by T.
Protein change: p.Gln400Ter; replaces glutamine 400 with a stop codon.
Molecular consequence: nonsense. On other transcripts: non-coding transcript variant (1).
Genome position (GRCh38, 1-based): chr19:49,706,268, C>T. VCF-style: chr19-49706268-C-T. GRCh37 (hg19) VCF-style: chr19-50209525-C-T.
Other names: c.1165C>T, p.Gln389Ter (NM_001136052.3, NM_001378485.1, NM_001378487.1); c.1198C>T, p.Gln400Ter (NM_001199752.3, NM_001378483.1, NM_001378484.1 and 3 more transcripts); c.1264C>T, p.Gln422Ter (NM_001378482.1); short protein forms Q389*, Q400*, Q422*.
Identifiers: ClinVar variation 4852624 (VCV004852624.2).

ClinVar aggregate classification (germline): Likely pathogenic (1 of 4 stars; one submission).

Submission:

Dasa
Classification: Likely pathogenic. Last evaluated: 2026-02-17. Review status: criteria provided, single submitter. Criteria: DASA Assertion Criteria. Collection method: clinical testing. Allele origin: germline.
Comment: NM_001199753.2(CPT1C):c.1198C>T (p.Gln400*) is a nonsense variant in CPT1C predicted to introduce a premature termination codon and is predicted to result in an absent or altered protein product. Loss of function is an established disease mechanism for CPT1C-associated disorders. Also, this variant is rare in population databases. Based on the currently available evidence, this variant is classified as likely pathogenic.